The following is an entry in ClinVar:

ClinVar aggregate classification (germline): Pathogenic. Review status: criteria provided, multiple submitters, no conflicts (2 of 4 stars). 5 submissions from 5 submitters: Pathogenic (2). 3 of the submissions do not count toward it. Last evaluated 2023-09-07.

Conditions:
Megacystis-microcolon-intestinal hypoperistalsis syndrome 5. Identifiers: MedGen C5543636, MONDO:0030329, OMIM 619431.
Visceral myopathy 1 (VSCM1). Also called: Visceral myopathy; Infantile visceral myopathy; ACTG2 Visceral Myopathy. Identifiers: Orphanet 2604, MedGen C5542197, MONDO:0020754, OMIM 155310.
Inborn genetic diseases. Identifiers: MedGen C0950123, MeSH D030342.

Submissions (5):

Ambry Genetics
Classification: Pathogenic for Inborn genetic diseases. Last evaluated: 2023-09-07. Review status: criteria provided, single submitter. Criteria: Ambry Variant Classification Scheme 2023. Collection method: clinical testing. Allele origin: germline.
Comment: The c.533G>T (p.R178L) alteration is located in exon 6 (coding exon 5) of the ACTG2 gene. This alteration results from a G to T substitution at nucleotide position 533, causing the arginine (R) at amino acid position 178 to be replaced by a leucine (L). This variant was not reported in population-based cohorts in the Genome Aggregation Database (gnomAD). An additional patient was recently reported with a de novo p.R178L alteration who was diagnosed prenatally with megabladder and subsequently with MMIHS after birth (Halim, 2016). De novo alterations in the same amino acid (p.R178C and p.R178H) have also been reported in patients with MMIHS (Thorson, 2014; Wangler, 2014). This amino acid position is highly conserved in available vertebrate species. Structural modeling demonstrates that the p.R178 amino acid is located within the hinge separating domains III and IV and interacts with amino acid residue p.H74 to lock ACTG2 into a conformation allowing for polymerization into thin filaments (Otterbein, 2001; Thorson, 2014). The p.R178L substitution is predicted to destabilize the interaction between p.R178 and p.H74, resulting in depolymerization of thin filaments into monomeric actin (Thorson, 2014). Functional analysis demonstrated that the p.R178L alteration leads to impaired ACTG2 polymerization and reduced cell contractility (Halim, 2016). This alteration is predicted to be deleterious by in silico analysis. Based on the available evidence, this alteration is classified as pathogenic.

GeneDx
Classification: Pathogenic. Last evaluated: 2022-04-14. Review status: criteria provided, single submitter. Criteria: GeneDx Variant Classification Process June 2021. Collection method: clinical testing. Allele origin: germline. Affected: yes.
Comment: Published functional studies demonstrate a damaging effect, showing impaired polymerization with actin as well as reduced cellular contractility (Halim et al., 2016; Thorson et al., 2014); Not observed at significant frequency in large population cohorts (gnomAD); In silico analysis supports that this missense variant has a deleterious effect on protein structure/function; This variant is associated with the following publications: (PMID: 26647307, 27481187, 24337657)

UOSD Genetics and Genomics of Rare Diseases, Istituto Giannina Gaslini
Classification: Pathogenic for Megacystis, microcolon, hypoperistalsis syndrome. Last evaluated: 2015-05-02. Review status: no assertion criteria provided. Collection method: research. Allele origin: germline. Affected: yes. Not counted in ClinVar's aggregate classification.

OMIM
Classification: Pathogenic for MEGACYSTIS-MICROCOLON-INTESTINAL HYPOPERISTALSIS SYNDROME 5. Last evaluated: 2014-06-01. Review status: no assertion criteria provided. Collection method: literature only. Allele origin: germline. Not counted in ClinVar's aggregate classification.

GeneReviews
No classification provided. Condition: Visceral myopathy 1. Review status: no classification provided. Collection method: literature only. Allele origin: germline. Not counted in ClinVar's aggregate classification.
Comment: High rate of a poor outcome (mortality and/or multivisceral transplantation) or microcolon

Literature cited by the submitters: PubMed 11474115 (cited by Ambry Genetics); PubMed 24337657 (cited by 3 submitters); PubMed 24676022 (cited by Ambry Genetics and UOSD Genetics and Genomics of Rare Diseases, Istituto Giannina Gaslini); PubMed 26647307 (cited by Ambry Genetics and OMIM); PubMed 26813947 (cited by UOSD Genetics and Genomics of Rare Diseases, Istituto Giannina Gaslini); PubMed 26072522 (cited by UOSD Genetics and Genomics of Rare Diseases, Istituto Giannina Gaslini and GeneReviews); PubMed 25998219 (cited by UOSD Genetics and Genomics of Rare Diseases, Istituto Giannina Gaslini); PubMed 27481187 (cited by OMIM); PubMed 31769566 (cited by OMIM and GeneReviews).

NM_001615.4(ACTG2):c.533G>T (p.Arg178Leu)

Gene: ACTG2 (actin gamma 2, smooth muscle; plus strand). Cytogenetic location: 2p13.1.
Variant type: single nucleotide variant.
Coding change: c.533G>T on transcript NM_001615.4 (MANE Select); coding-DNA position 533, G replaced by T.
Protein change: p.Arg178Leu; replaces arginine 178 with leucine.
Molecular consequence: missense variant.
Genome position (GRCh38, 1-based): chr2:73,913,566, G>T. VCF-style: chr2-73913566-G-T. GRCh37 (hg19) VCF-style: chr2-74140693-G-T.
Other names: c.404G>T, p.Arg135Leu (NM_001199893.2); short protein forms R178L, R135L.
Identifiers: ClinVar variation 132798 (VCV000132798.12), dbSNP rs587777384, ClinGen allele CA289149.
Genomic context (GRCh38, chr2:73,913,566, plus strand): 5'-ATGGCGTCACCCACAATGTCCCCATCTATGAAGGCTATGCCCTGCCCCATGCCATCATGC[G>T]CCTGGACTTGGCTGGCCGTGACCTCACGGACTACCTCATGAAGATCCTCACAGAGAGAGG-3'
Protein context (NP_001606.1, residues 168-188): EGYALPHAIM[Arg178Leu]LDLAGRDLTD